The following is an entry in ClinVar:

ClinVar aggregate classification (germline): Conflicting classifications of pathogenicity. Review status: criteria provided, conflicting classifications (1 of 4 stars). 2 submissions from 2 submitters: Uncertain significance (1); Likely benign (1). Last evaluated 2026-03-31.

Conditions:
Hereditary cancer-predisposing syndrome. Also called: Neoplastic Syndromes, Hereditary; Tumor predisposition; Hereditary Cancer Syndrome; Hereditary neoplastic syndrome. Identifiers: Orphanet 140162, MedGen C0027672, MeSH D009386, MONDO:0015356.
Parathyroid carcinoma (PRTC). Also called: CDC73-Related Parathyroid Carcinoma; Parathyroid gland carcinoma. Identifiers: Orphanet 143, MedGen C0687150, MONDO:0012004, OMIM 608266, HP:0006780.

Submissions (2):

Ambry Genetics
Classification: Uncertain significance for Hereditary cancer-predisposing syndrome. Last evaluated: 2026-03-31. Review status: criteria provided, single submitter. Criteria: Ambry Variant Classification Scheme 2023. Collection method: clinical testing. Allele origin: germline.
Comment: The c.908-3T>C intronic variant results from a T to C substitution 3 nucleotides upstream from coding exon 10 in the CDC73 gene. This nucleotide position is not well conserved in available vertebrate species. In silico splice site analysis predicts that this alteration will not have any significant effect on splicing. Based on the available evidence, the clinical significance of this variant remains unclear.

Labcorp Genetics (formerly Invitae), Labcorp
Classification: Likely benign for Parathyroid carcinoma. Last evaluated: 2023-08-17. Review status: criteria provided, single submitter. Criteria: Invitae Variant Classification Sherloc (09022015). Collection method: clinical testing. Allele origin: germline.

NM_024529.5(CDC73):c.908-3T>C

Gene: CDC73 (cell division cycle 73; plus strand). Cytogenetic location: 1q31.2.
Variant type: single nucleotide variant.
Coding change: c.908-3T>C on transcript NM_024529.5 (MANE Select); 3 bases into the intron before coding-DNA position 908, T replaced by C.
Molecular consequence: intron variant.
Genome position (GRCh38, 1-based): chr1:193,152,377, T>C. VCF-style: chr1-193152377-T-C. GRCh37 (hg19) VCF-style: chr1-193121507-T-C.
Other names: c.908-3T>C (NM_024529.4).
Identifiers: ClinVar variation 1366773 (VCV001366773.7), dbSNP rs2103133616, ClinGen allele CA2573131375.